The following is an entry in ClinVar:

ClinVar aggregate classification (germline): Uncertain significance. Review status: criteria provided, multiple submitters, no conflicts (2 of 4 stars). 2 submissions from 2 submitters: Uncertain significance (2). Last evaluated 2023-09-29.

Conditions:
MEPE-related disorder. Also called: MEPE-related condition.

Allele frequency attached by ClinVar (database versions not stated): ExAC 0.00007; gnomAD exomes 0.00015; ESP Exome Variant Server 0.00023.
gnomAD v4.1: 237 of 1,613,714 alleles (0.015%); highest among the groups gnomAD compares: Non-Finnish European, 0.018%; no homozygotes.

Submissions (2):

Ambry Genetics
Classification: Uncertain significance. Last evaluated: 2023-09-29. Review status: criteria provided, single submitter. Criteria: Ambry Variant Classification Scheme 2023. Collection method: clinical testing. Allele origin: germline.

PreventionGenetics, part of Exact Sciences
Classification: Uncertain significance for MEPE-related condition. Last evaluated: 2023-06-22. Review status: criteria provided, single submitter. Criteria: ACMG Guidelines, 2015. Collection method: clinical testing. Allele origin: germline.
Comment: The MEPE c.868G>A variant is predicted to result in the amino acid substitution p.Gly290Ser. To our knowledge, this variant has not been reported in the literature. This variant is reported in 0.014% of alleles in individuals of European (Non-Finnish) descent in gnomAD. At this time, the clinical significance of this variant is uncertain due to the absence of conclusive functional and genetic evidence.

NM_020203.6(MEPE):c.775G>A (p.Gly259Ser)

Genes: MEPE (matrix extracellular phosphoglycoprotein; plus strand), MEPE-AS1 (MEPE and IBSP antisense RNA 1; minus strand). Cytogenetic location: 4q22.1.
Variant type: single nucleotide variant.
Coding change: c.775G>A on transcript NM_020203.6 (MANE Select); coding-DNA position 775, G replaced by A.
Protein change: p.Gly259Ser; replaces glycine 259 with serine.
Molecular consequence: missense variant.
Genome position (GRCh38, 1-based): chr4:87,845,643, G>A. VCF-style: chr4-87845643-G-A. GRCh37 (hg19) VCF-style: chr4-88766795-G-A.
Other names: c.775G>A, p.Gly259Ser (NM_001184694.3); c.436G>A, p.Gly146Ser (NM_001184695.4, NM_001184696.2, NM_001184697.2); c.868G>A, p.Gly290Ser (NM_001291183.2); c.775G>A (NM_001184694.1); short protein forms G146S, G259S, G290S.
Identifiers: ClinVar variation 2636119 (VCV002636119.2), dbSNP rs200300679, ClinGen allele CA3002725.